The following is an entry in ClinVar:

ClinVar aggregate classification (germline): Uncertain significance (1 of 4 stars; one submission).

gnomAD v4.1: 40 of 1,612,798 alleles (0.0025%); highest among the groups gnomAD compares: African/African-American, 0.048%; no homozygotes.

Submission:

Mayo Clinic Laboratories, Mayo Clinic
Classification: Uncertain significance. Last evaluated: 2024-05-14. Review status: criteria provided, single submitter. Criteria: ACMG Guidelines, 2015. Collection method: clinical testing. Allele origin: germline. Observed: 1 variant allele.
Comment: BP4

NM_001081.4(CUBN):c.2753A>G (p.Asn918Ser)

Gene: CUBN (cubilin; minus strand). Cytogenetic location: 10p13.
Variant type: single nucleotide variant.
Coding change: c.2753A>G on transcript NM_001081.4 (MANE Select); coding-DNA position 2753, A replaced by G.
Protein change: p.Asn918Ser; replaces asparagine 918 with serine.
Molecular consequence: missense variant.
Genome position (GRCh38, 1-based): chr10:17,068,643, T>C on the plus strand (A>G on the coding strand, the complement: CUBN is on the minus strand). VCF-style: chr10-17068643-T-C. GRCh37 (hg19) VCF-style: chr10-17110642-T-C.
Other names: p.Asn918Ser; short protein forms N918S.
Identifiers: ClinVar variation 3379950 (VCV003379950.1).